The following is an entry in ClinVar:

ClinVar aggregate classification (germline): Uncertain significance (1 of 4 stars; one submission).

gnomAD v4.1: 15 of 1,614,058 alleles (0.00093%); highest among the groups gnomAD compares: African/African-American, 0.0013%; no homozygotes.

Submission:

Labcorp Genetics (formerly Invitae), Labcorp
Classification: Uncertain significance. Last evaluated: 2024-10-29. Review status: criteria provided, single submitter. Criteria: Invitae Variant Classification Sherloc (09022015). Collection method: clinical testing. Allele origin: germline.
Comment: This sequence change replaces leucine, which is neutral and non-polar, with methionine, which is neutral and non-polar, at codon 539 of the DSG1 protein (p.Leu539Met). This variant is present in population databases (no rsID available, gnomAD 0.007%). This variant has not been reported in the literature in individuals affected with DSG1-related conditions. Invitae Evidence Modeling of protein sequence and biophysical properties (such as structural, functional, and spatial information, amino acid conservation, physicochemical variation, residue mobility, and thermodynamic stability) indicates that this missense variant is not expected to disrupt DSG1 protein function with a negative predictive value of 80%. In summary, the available evidence is currently insufficient to determine the role of this variant in disease. Therefore, it has been classified as a Variant of Uncertain Significance.

NM_001942.4(DSG1):c.1615T>A (p.Leu539Met)

Gene: DSG1 (desmoglein 1; plus strand). Cytogenetic location: 18q12.1.
Variant type: single nucleotide variant.
Coding change: c.1615T>A on transcript NM_001942.4 (MANE Select); coding-DNA position 1615, T replaced by A.
Protein change: p.Leu539Met; replaces leucine 539 with methionine.
Molecular consequence: missense variant.
Genome position (GRCh38, 1-based): chr18:31,339,953, T>A. VCF-style: chr18-31339953-T-A. GRCh37 (hg19) VCF-style: chr18-28919916-T-A.
Other names: short protein forms L539M.
Identifiers: ClinVar variation 3638097 (VCV003638097.2).